The following is an entry in ClinVar:

NM_001377299.1(NDUFS2):c.1367T>C (p.Ile456Thr)

Gene: NDUFS2 (NADH:ubiquinone oxidoreductase core subunit S2; plus strand). Cytogenetic location: 1q23.3.
Variant type: single nucleotide variant.
Coding change: c.1367T>C on transcript NM_001377299.1 (MANE Select); coding-DNA position 1367, T replaced by C.
Protein change: p.Ile456Thr; replaces isoleucine 456 with threonine.
Molecular consequence: missense variant. On other transcripts: 3 prime UTR variant (4), non-coding transcript variant (1).
Genome position (GRCh38, 1-based): chr1:161,214,168, T>C. VCF-style: chr1-161214168-T-C. GRCh37 (hg19) VCF-style: chr1-161183958-T-C.
Other names: c.*227T>C (NM_001166159.2, NM_001377300.1, NM_001377301.1); c.1367T>C, p.Ile456Thr (NM_001377298.1, NM_004550.5); c.*18T>C (NM_001377302.1); short protein forms I456T.
Identifiers: ClinVar variation 876337 (VCV000876337.9), dbSNP rs140731056, ClinGen allele CA1208876.
Genomic context (GRCh38, chr1:161,214,168, plus strand): 5'-AACAGGAAGATAAGTAACATCACTTTTTTCCTCCATCCTCTCACCTAGGTACCCAAGATA[T>C]TGTATTTGGAGAAGTAGATCGGTGAGCAGGGGAGCAGCGTTTGATCCCCCCTGCCTATCA-3'
Protein context (NP_001364228.1, residues 446-463): DVVAIIGTQD[Ile456Thr]VFGEVDR

ClinVar aggregate classification (germline): Uncertain significance. Review status: criteria provided, multiple submitters, no conflicts (2 of 4 stars). 3 submissions from 3 submitters: Uncertain significance (3). Last evaluated 2025-10-02.

Conditions:
Mitochondrial complex I deficiency, nuclear type 6. Also called: Mitochondrial complex 1 deficiency, nuclear type 6. Identifiers: MedGen C4748759, MONDO:0032611, OMIM 618228.
Mitochondrial complex I deficiency, nuclear type 1. Also called: NADH-COENZYME Q REDUCTASE DEFICIENCY; MITOCHONDRIAL NADH DEHYDROGENASE COMPONENT OF COMPLEX I, DEFICIENCY OF. Identifiers: MedGen C6022305, MONDO:0100224, OMIM 252010.

Allele frequency attached by ClinVar (database versions not stated): 1000 Genomes Project 30x 0.00016; 1000 Genomes Project 0.00020; TOPMed 0.00001; gnomAD exomes 0.00004 and 0.00005; ExAC 0.00006; gnomAD 0.00001.

Submissions (3):

Labcorp Genetics (formerly Invitae), Labcorp
Classification: Uncertain significance. Last evaluated: 2025-10-02. Review status: criteria provided, single submitter. Criteria: Invitae Variant Classification Sherloc (09022015). Collection method: clinical testing. Allele origin: germline.
Comment: This sequence change replaces isoleucine, which is neutral and non-polar, with threonine, which is neutral and polar, at codon 456 of the NDUFS2 protein (p.Ile456Thr). This variant is present in population databases (rs140731056, gnomAD 0.05%). This variant has not been reported in the literature in individuals affected with NDUFS2-related conditions. ClinVar contains an entry for this variant (Variation ID: 876337). Invitae Evidence Modeling of protein sequence and biophysical properties (such as structural, functional, and spatial information, amino acid conservation, physicochemical variation, residue mobility, and thermodynamic stability) indicates that this missense variant is not expected to disrupt NDUFS2 protein function with a negative predictive value of 80%. In summary, the available evidence is currently insufficient to determine the role of this variant in disease. Therefore, it has been classified as a Variant of Uncertain Significance.

Genome-Nilou Lab
Classification: Uncertain significance for Mitochondrial complex I deficiency, nuclear type 6. Last evaluated: 2023-04-11. Review status: criteria provided, single submitter. Criteria: ACMG Guidelines, 2015. Collection method: clinical testing. Allele origin: germline. Affected: no.

Illumina Laboratory Services, Illumina
Classification: Uncertain significance for Mitochondrial complex I deficiency, nuclear type 1. Last evaluated: 2018-01-13. Review status: criteria provided, single submitter. Criteria: ICSL Variant Classification Criteria 13 December 2019. Collection method: clinical testing. Allele origin: germline.